The following is an entry in ClinVar:

ClinVar aggregate classification (germline): Pathogenic/Likely pathogenic. Review status: criteria provided, multiple submitters, no conflicts (2 of 4 stars). 2 submissions from 2 submitters: Pathogenic (1); Likely pathogenic (1). Last evaluated 2025-08-15.

Conditions:
Citrullinemia type I (CTNL1). Also called: argininosuccinate synthetase deficiency; ASS DEFICIENCY. Identifiers: Orphanet 247525, MedGen C4721769, MONDO:0008988, OMIM 215700.

gnomAD v4.1: 1 of 1,614,158 alleles (0.000062%); highest among the groups gnomAD compares: Admixed American, 0.0017%; no homozygotes.

Submissions (2):

Natera, Inc.
Classification: Likely pathogenic for Citrullinemia type I. Last evaluated: 2025-08-15. Review status: criteria provided, single submitter. Criteria: Natera Variant Classification Schema (03/2026). Collection method: clinical testing. Allele origin: germline.
Comment: The c.884T>G variant in ASS1 is a nonsense variant predicted to introduce a stop codon at amino acid 295. This variant is expected to result in nonsense mediated decay, truncation, or a dysfunctional protein product. This variant is rare in the general population with a frequency below the threshold expected for the associated phenotype(s). Given the available evidence, this variant is classified as Likely Pathogenic.

Myriad Genetics, Inc.
Classification: Pathogenic for Citrullinemia type I. Last evaluated: 2024-09-22. Review status: criteria provided, single submitter. Criteria: Myriad Autosomal Dominant, Autosomal Recessive and X-Linked Classification Criteria (2023). Collection method: clinical testing. Allele origin: unknown.
Comment: NM_000050.4(ASS1):c.884T>G(L295*) is expected to be pathogenic in the context of citrullinemia type 1. This variant is predicted to lead to an abnormal or absent protein product due to the creation of a premature termination codon in ASS1, a gene where loss-of-function variants are known to be pathogenic. Please note: this variant was assessed in the context of healthy population screening.

NM_054012.4(ASS1):c.884T>G (p.Leu295Ter)

Gene: ASS1 (argininosuccinate synthase 1; plus strand). Cytogenetic location: 9q34.11.
Variant type: single nucleotide variant.
Coding change: c.884T>G on transcript NM_054012.4 (MANE Select); coding-DNA position 884, T replaced by G.
Protein change: p.Leu295Ter; replaces leucine 295 with a stop codon.
Molecular consequence: nonsense.
Genome position (GRCh38, 1-based): chr9:130,489,378, T>G. VCF-style: chr9-130489378-T-G. GRCh37 (hg19) VCF-style: chr9-133364765-T-G.
Other names: c.884T>G, p.Leu295Ter (NM_000050.4); short protein forms L295*.
Identifiers: ClinVar variation 4814273 (VCV004814273.2).